The following is an entry in ClinVar:

ClinVar aggregate classification (germline): Uncertain significance (1 of 4 stars; one submission).

Conditions:
Cardiovascular phenotype. Identifiers: MedGen CN230736.

Allele frequency attached by ClinVar (database versions not stated): TOPMed below 0.00001; gnomAD 0.00002; ExAC 0.00005.
gnomAD v4.1: 47 of 1,613,164 alleles (0.0029%); highest among the groups gnomAD compares: South Asian, 0.051%; no homozygotes.

Submission:

Ambry Genetics
Classification: Uncertain significance for Cardiovascular phenotype. Last evaluated: 2024-07-14. Review status: criteria provided, single submitter. Criteria: Ambry Variant Classification Scheme 2023. Collection method: clinical testing. Allele origin: germline.
Comment: The p.D2774G variant (also known as c.8321A>G), located in coding exon 23 of the TNXB gene, results from an A to G substitution at nucleotide position 8321. The aspartic acid at codon 2774 is replaced by glycine, an amino acid with similar properties. This amino acid position is well conserved in available vertebrate species. In addition, this alteration is predicted to be tolerated by in silico analysis. Since supporting evidence is limited at this time, the clinical significance of this alteration remains unclear.

NM_001365276.2(TNXB):c.8321A>G (p.Asp2774Gly)

Gene: TNXB (tenascin XB; minus strand). Cytogenetic location: 6p21.33.
Variant type: single nucleotide variant.
Coding change: c.8321A>G on transcript NM_001365276.2 (MANE Select); coding-DNA position 8321, A replaced by G.
Protein change: p.Asp2774Gly; replaces aspartic acid 2774 with glycine.
Molecular consequence: missense variant.
Genome position (GRCh38, 1-based): chr6:32,055,997, T>C on the plus strand (A>G on the coding strand, the complement: TNXB is on the minus strand). VCF-style: chr6-32055997-T-C. GRCh37 (hg19) VCF-style: chr6-32023774-T-C.
Other names: c.8321A>G, p.Asp2774Gly (NM_019105.8); short protein forms D2774G.
Identifiers: ClinVar variation 1762929 (VCV001762929.3), dbSNP rs759341460, ClinGen allele CA3733888.
Genomic context (GRCh38, chr6:32,055,997, plus strand): 5'-AGGCCCCCCACGGTGACCTCGCTCTCCTCGCCCCTGACACGCATCACCTGGGGCCGCCCG[T>C]CCCTGTCCTTGTACTGCACGGTGAAGGAGTCGAAGTGGCCCTGGGGGATGGTCCAGGAGA-3'
Protein context (NP_001352205.1, residues 2764-2784): DSFTVQYKDR[Asp2774Gly]GRPQVMRVRG